The following is an entry in ClinVar:

NM_000257.4(MYH7):c.3643C>A (p.Gln1215Lys)

Gene: MYH7 (myosin heavy chain 7; minus strand). Cytogenetic location: 14q11.2.
Variant type: single nucleotide variant.
Coding change: c.3643C>A on transcript NM_000257.4 (MANE Select); coding-DNA position 3643, C replaced by A.
Protein change: p.Gln1215Lys; replaces glutamine 1215 with lysine.
Molecular consequence: missense variant.
Genome position (GRCh38, 1-based): chr14:23,419,928, G>T on the plus strand (C>A on the coding strand, the complement: MYH7 is on the minus strand). VCF-style: chr14-23419928-G-T. GRCh37 (hg19) VCF-style: chr14-23889137-G-T.
Other names: c.3643C>A, p.Gln1215Lys (NM_001407004.1); short protein forms Q1215K.
Identifiers: ClinVar variation 3893896 (VCV003893896.1).
Genomic context (GRCh38, chr14:23,419,928, plus strand): 5'-TGTTGGAGGTGACGTCATCCAGCTCCAGCTTGAACTCGCTCTTCTCCTTCTCCAGCTTCT[G>T]CTTCACCCGCTGCAGGTTGTCGATCTGCTCGCCCAGCTCGGCCACGCTGTCGGCGTGCTT-3'
Protein context (NP_000248.2, residues 1205-1225): EQIDNLQRVK[Gln1215Lys]KLEKEKSEFK

ClinVar aggregate classification (germline): Uncertain significance (1 of 4 stars; one submission).

Conditions:
Cardiomyopathy (CMYO). Also called: Cardiomyopathies. Identifiers: Orphanet 167848, MedGen C0878544, MONDO:0004994, HP:0001638. Inheritance: Various modes of inheritance.

Submission:

Color Diagnostics, LLC DBA Color Health
Classification: Uncertain significance for Cardiomyopathy. Last evaluated: 2025-02-23. Review status: criteria provided, single submitter. Criteria: ACMG Guidelines, 2015. Collection method: clinical testing. Allele origin: germline.
Comment: This missense variant replaces glutamine with lysine at codon 1215 of the MYH7 protein. Computational prediction suggests that this variant may have deleterious impact on protein structure and function (internally defined REVEL score threshold >= 0.7, PMID: 27666373). To our knowledge, functional studies have not been reported for this variant. This variant has not been reported in individuals affected with MYH7-related disorders in the literature. This variant has not been identified in the general population by the Genome Aggregation Database (gnomAD). The available evidence is insufficient to determine the role of this variant in disease conclusively. Therefore, this variant is classified as a Variant of Uncertain Significance.